The following is an entry in ClinVar:

NM_001204077.2(UBE4A):c.318G>C (p.Gly106=)

Gene: UBE4A (ubiquitination factor E4A; plus strand). Cytogenetic location: 11q23.3.
Variant type: single nucleotide variant.
Coding change: c.318G>C on transcript NM_001204077.2 (MANE Select); coding-DNA position 318, G replaced by C.
Protein change: p.Gly106=; no amino-acid change (glycine 106 retained).
Molecular consequence: synonymous variant.
Genome position (GRCh38, 1-based): chr11:118,369,445, G>C. VCF-style: chr11-118369445-G-C. GRCh37 (hg19) VCF-style: chr11-118240160-G-C.
Other names: c.318G>C, p.Gly106= (NM_004788.4).
Identifiers: ClinVar variation 2642413 (VCV002642413.24), dbSNP rs73613940, ClinGen allele CA6302326.

ClinVar aggregate classification (germline): Likely benign. Review status: criteria provided, multiple submitters, no conflicts (2 of 4 stars). 2 submissions from 2 submitters: Likely benign (2). Last evaluated 2026-04-01.

Allele frequency attached by ClinVar (database versions not stated): 1000 Genomes Project 0.00040; 1000 Genomes Project 30x 0.00062; ESP Exome Variant Server 0.00092.
gnomAD v4.1: 176 of 1,614,146 alleles (0.011%); highest among the groups gnomAD compares: African/African-American, 0.22%; no homozygotes.

Submissions (2):

CeGaT Center for Human Genetics Tuebingen
Classification: Likely benign. Last evaluated: 2026-04-01. Review status: criteria provided, single submitter. Criteria: CeGaT Center For Human Genetics Tuebingen Variant Classification Criteria Version 2. Collection method: clinical testing. Allele origin: germline. Affected: yes. Observed: 2 variant alleles.
Comment: UBE4A: BP4, BP7

Women's Health and Genetics/Laboratory Corporation of America, LabCorp
Classification: Likely benign. Last evaluated: 2025-09-05. Review status: criteria provided, single submitter. Criteria: LabCorp Variant Classification Summary - May 2015. Collection method: clinical testing. Allele origin: germline.